The following is an entry in ClinVar:

ClinVar aggregate classification (germline): Uncertain significance (1 of 4 stars; one submission).

gnomAD v4.1: 14 of 1,184,084 alleles (0.0012%); highest among the groups gnomAD compares: East Asian, 0.003%; no homozygotes.

Submission:

Ambry Genetics
Classification: Uncertain significance. Last evaluated: 2026-08-12. Review status: criteria provided, single submitter. Criteria: Ambry Variant Classification Scheme 2023. Collection method: clinical testing. Allele origin: germline.
Comment: The c.1757C>T (p.A586V) alteration is located in exon 18 (coding exon 18) of the RPS6KA6 gene. This alteration results from a C to T substitution at nucleotide position 1757, causing the alanine (A) at amino acid position 586 to be replaced by a valine (V). Based on data from gnomAD, the T allele has an overall frequency of 0.002% (3/180934) total alleles studied. The highest observed frequency was 0.008% (1/12823) of East Asian alleles. Based on insufficient or conflicting evidence, the clinical significance of this alteration remains unclear.

NM_014496.5(RPS6KA6):c.1757C>T (p.Ala586Val)

Gene: RPS6KA6 (ribosomal protein S6 kinase A6; minus strand). Cytogenetic location: Xq21.1.
Variant type: single nucleotide variant.
Coding change: c.1757C>T on transcript NM_014496.5 (MANE Select); coding-DNA position 1757, C replaced by T.
Protein change: p.Ala586Val; replaces alanine 586 with valine.
Molecular consequence: missense variant.
Genome position (GRCh38, 1-based): chrX:84,102,056, G>A on the plus strand (C>T on the coding strand, the complement: RPS6KA6 is on the minus strand). VCF-style: chrX-84102056-G-A. GRCh37 (hg19) VCF-style: chrX-83357064-G-A.
Other names: c.1757C>T, p.Ala586Val (NM_001330512.1); short protein forms A586V.
Identifiers: ClinVar variation 5028429 (VCV005028429.1).